The following is an entry in ClinVar:

ClinVar aggregate classification (germline): Likely benign. Review status: criteria provided, single submitter (1 of 4 stars). 2 submissions from 2 submitters: Likely benign (1). 1 of the submissions does not count toward it. Last evaluated 2024-10-30.

Conditions:
KIF7-related disorder. Also called: KIF7-related condition.
Acrocallosal syndrome (ACLS). Also called: Schinzel syndrome 1; Absence of corpus callosum with unusual facial appearance, mental deficiency, duplication of the halluces and polydactyly; HALLUX DUPLICATION, POSTAXIAL POLYDACTYLY, AND ABSENCE OF CORPUS CALLOSUM. Identifiers: Orphanet 36, MedGen C0796147, MONDO:0008708, OMIM 200990.

Allele frequency attached by ClinVar (database versions not stated): gnomAD exomes 0.00001 and 0.00003; TOPMed 0.00001.
gnomAD v4.1: 8 of 1,610,724 alleles (0.0005%); highest among the groups gnomAD compares: Admixed American, 0.012%; no homozygotes.

Submissions (2):

Labcorp Genetics (formerly Invitae), Labcorp
Classification: Likely benign for Acrocallosal syndrome. Last evaluated: 2024-10-30. Review status: criteria provided, single submitter. Criteria: Invitae Variant Classification Sherloc (09022015). Collection method: clinical testing. Allele origin: germline.

PreventionGenetics, part of Exact Sciences
Classification: Likely benign for KIF7-related condition. Last evaluated: 2019-08-26. Review status: no assertion criteria provided. Collection method: clinical testing. Allele origin: germline. Not counted in ClinVar's aggregate classification.
Comment: This variant is classified as likely benign based on ACMG/AMP sequence variant interpretation guidelines (Richards et al. 2015 PMID: 25741868, with internal and published modifications).

NM_198525.3(KIF7):c.3518-4C>G

Genes: KIF7 (kinesin family member 7; minus strand), LOC126862216 (BRD4-independent group 4 enhancer GRCh37_chr15:90171995-90173194; plus strand). Cytogenetic location: 15q26.1.
Variant type: single nucleotide variant.
Coding change: c.3518-4C>G on transcript NM_198525.3 (MANE Select); 4 bases into the intron before coding-DNA position 3518, C replaced by G.
Molecular consequence: intron variant.
Genome position (GRCh38, 1-based): chr15:89,629,126, G>C on the plus strand (C>G on the coding strand, the complement: KIF7 is on the minus strand). VCF-style: chr15-89629126-G-C. GRCh37 (hg19) VCF-style: chr15-90172357-G-C.
Other names: c.3518-4C>G (NM_198525.2).
Identifiers: ClinVar variation 1674074 (VCV001674074.10), dbSNP rs1226183855, ClinGen allele CA619858224.